The following is an entry in ClinVar:

NM_000454.5(SOD1):c.281G>A (p.Gly94Asp)

Gene: SOD1 (superoxide dismutase 1; plus strand). Cytogenetic location: 21q22.11.
Variant type: single nucleotide variant.
Coding change: c.281G>A on transcript NM_000454.5 (MANE Select); coding-DNA position 281, G replaced by A.
Protein change: p.Gly94Asp; replaces glycine 94 with aspartic acid.
Molecular consequence: missense variant.
Genome position (GRCh38, 1-based): chr21:31,667,299, G>A. VCF-style: chr21-31667299-G-A. GRCh37 (hg19) VCF-style: chr21-33039612-G-A.
Other names: short protein forms G94D.
Identifiers: ClinVar variation 1072003 (VCV001072003.8), dbSNP rs121912438, ClinGen allele CA410037459.

ClinVar aggregate classification (germline): Pathogenic. Review status: criteria provided, multiple submitters, no conflicts (2 of 4 stars). 2 submissions from 2 submitters: Pathogenic (2). Last evaluated 2025-09-13.

Conditions:
Amyotrophic lateral sclerosis type 1 (ALS1). Also called: AMYOTROPHIC LATERAL SCLEROSIS 1, FAMILIAL. Identifiers: Orphanet 803, MedGen C1862939, MONDO:0007103, OMIM 105400.

Allele frequency attached by ClinVar (database versions not stated): gnomAD exomes below 0.00001.
gnomAD v4.1: 1 of 1,614,144 alleles (0.000062%); highest among the groups gnomAD compares: Non-Finnish European, 0.000085%; no homozygotes.

Submissions (2):

Labcorp Genetics (formerly Invitae), Labcorp
Classification: Pathogenic for Amyotrophic lateral sclerosis type 1. Last evaluated: 2025-09-13. Review status: criteria provided, single submitter. Criteria: Invitae Variant Classification Sherloc (09022015). Collection method: clinical testing. Allele origin: germline.
Comment: This sequence change replaces glycine, which is neutral and non-polar, with aspartic acid, which is acidic and polar, at codon 94 of the SOD1 protein (p.Gly94Asp). This variant is present in population databases (no rsID available, gnomAD 0.003%). This missense change has been observed in individuals with autosomal dominant amyotrophic lateral sclerosis (PMID: 9029070, 18273717, 19922144, 21120636, 24325798, 25792239). It has also been observed to segregate with disease in related individuals. This variant is also known as G93D. ClinVar contains an entry for this variant (Variation ID: 1072003). Invitae Evidence Modeling of protein sequence and biophysical properties (such as structural, functional, and spatial information, amino acid conservation, physicochemical variation, residue mobility, and thermodynamic stability) indicates that this missense variant is expected to disrupt SOD1 protein function with a positive predictive value of 95%. Experimental studies have shown that this missense change affects SOD1 function (PMID: 19483195). For these reasons, this variant has been classified as Pathogenic.

Clinical Omics and Informatics (COIN) Unit, Neuroscience Institute, University Of Cape Town
Classification: Pathogenic for Amyotrophic lateral sclerosis type 1. Last evaluated: 2025-05-13. Review status: criteria provided, single submitter. Criteria: ACMG Guidelines, 2015. Collection method: research. Allele origin: germline. Inheritance: Autosomal dominant inheritance. Affected: yes. Observed: 2 variant alleles, 1 heterozygote.
Comment: The highest population allele frequency in gnomAD v4.0 is 0.0000008475 (0.0000847456%; 1/1180002 alleles in the European (non-Finnish) population). No homozygous observations and variant is absent from the AGVD database. PM1_Supporting: Exon 4 is a well-established catalytic domain, other pathogenic missense variants reported in this exon (PMID: 9029070). PM5_Met: Studies report pathogenic missense variants p.Gly93Ala and p.Gly93Cys (PMID: 9029070). PP3_Moderate: Revel score is 0.906. PP1_Met: ≥5 informative meioses in ≥1 family (PMID: 21120636). PS3_Supporting: Studies demonstrate that transgenic mice expressing the variant developed ALS-like symptoms, including motor neuron degeneration and shortened lifespan and showed significant pathological and behavioral changes compared to controls (PMID:19483195). PS4_Met: 7 unrelated probands with consistent phenotype for disorder (PMID: 9029070; 18273717; 19922144; 24325798;25792239).

Literature cited by the submitters: PubMed 9029070 (cited by Labcorp Genetics (formerly Invitae), Labcorp and Clinical Omics and Informatics (COIN) Unit, Neuroscience Institute, University Of Cape Town); PubMed 18273717 (cited by Labcorp Genetics (formerly Invitae), Labcorp and Clinical Omics and Informatics (COIN) Unit, Neuroscience Institute, University Of Cape Town); PubMed 19922144 (cited by Labcorp Genetics (formerly Invitae), Labcorp and Clinical Omics and Informatics (COIN) Unit, Neuroscience Institute, University Of Cape Town); PubMed 21120636 (cited by Labcorp Genetics (formerly Invitae), Labcorp and Clinical Omics and Informatics (COIN) Unit, Neuroscience Institute, University Of Cape Town); PubMed 24325798 (cited by Labcorp Genetics (formerly Invitae), Labcorp and Clinical Omics and Informatics (COIN) Unit, Neuroscience Institute, University Of Cape Town); PubMed 25792239 (cited by Labcorp Genetics (formerly Invitae), Labcorp and Clinical Omics and Informatics (COIN) Unit, Neuroscience Institute, University Of Cape Town); PubMed 19483195 (cited by Labcorp Genetics (formerly Invitae), Labcorp and Clinical Omics and Informatics (COIN) Unit, Neuroscience Institute, University Of Cape Town).